The following is an entry in ClinVar:

ClinVar aggregate classification (germline): Uncertain significance (1 of 4 stars; one submission).

Submission:

Labcorp Genetics (formerly Invitae), Labcorp
Classification: Uncertain significance. Last evaluated: 2022-08-15. Review status: criteria provided, single submitter. Criteria: Invitae Variant Classification Sherloc (09022015). Collection method: clinical testing. Allele origin: germline.
Comment: In summary, the available evidence is currently insufficient to determine the role of this variant in disease. Therefore, it has been classified as a Variant of Uncertain Significance. Algorithms developed to predict the effect of missense changes on protein structure and function output the following: SIFT: "Tolerated"; PolyPhen-2: "Benign"; Align-GVGD: "Class C0". The isoleucine amino acid residue is found in multiple mammalian species, which suggests that this missense change does not adversely affect protein function. This variant has not been reported in the literature in individuals affected with SETBP1-related conditions. This variant is not present in population databases (gnomAD no frequency). This sequence change replaces methionine, which is neutral and non-polar, with isoleucine, which is neutral and non-polar, at codon 470 of the SETBP1 protein (p.Met470Ile).

NM_015559.3(SETBP1):c.1410G>A (p.Met470Ile)

Gene: SETBP1 (SET binding protein 1; plus strand). Cytogenetic location: 18q12.3.
Variant type: single nucleotide variant.
Coding change: c.1410G>A on transcript NM_015559.3 (MANE Select); coding-DNA position 1410, G replaced by A.
Protein change: p.Met470Ile; replaces methionine 470 with isoleucine.
Molecular consequence: missense variant.
Genome position (GRCh38, 1-based): chr18:44,950,750, G>A. VCF-style: chr18-44950750-G-A. GRCh37 (hg19) VCF-style: chr18-42530715-G-A.
Other names: c.1410G>A, p.Met470Ile (NM_001379141.1, NM_001379142.1, NM_001410862.1); short protein forms M470I.
Identifiers: ClinVar variation 2119426 (VCV002119426.4), dbSNP rs2511467557, ClinGen allele CA402318470.
Genomic context (GRCh38, chr18:44,950,750, plus strand): 5'-GATACTTTCCAACTCTGAGGGGAATAAGAAGGATCCCCGTGTCCCTAAGTTGAGTAAAAT[G>A]ATAGAGAATGAGTCCCCCTCAGTTGGCCTTGAAACTGGTGGAAATGCTGAGAAAGTTATC-3'
Protein context (NP_056374.2, residues 460-480): KDPRVPKLSK[Met470Ile]IENESPSVGL